The following is an entry in ClinVar:

ClinVar aggregate classification (germline): Benign/Likely benign. Review status: criteria provided, multiple submitters, no conflicts (2 of 4 stars). 8 submissions from 8 submitters: Benign (1); Likely benign (6). 1 of the submissions does not count toward it. Last evaluated 2025-11-23.

Conditions:
HSPG2-related disorder. Also called: HSPG2-related disorders; HSPG2-related condition.
Inborn genetic diseases. Identifiers: MedGen C0950123, MeSH D030342.
Connective tissue disorder. Also called: Connective tissue disease. Identifiers: MedGen C0009782, MONDO:0003900.

Allele frequency attached by ClinVar (database versions not stated): gnomAD 0.00016 and 0.00031; TOPMed 0.00021; ESP Exome Variant Server 0.00031; gnomAD exomes 0.00045 and 0.00089; 1000 Genomes Project 0.00060; 1000 Genomes Project 30x 0.00078; ExAC 0.00095.
gnomAD v4.1: 705 of 1,611,250 alleles (0.044%); highest among the groups gnomAD compares: South Asian, 0.54%; 6 homozygotes.

Submissions (8):

Labcorp Genetics (formerly Invitae), Labcorp
Classification: Benign. Last evaluated: 2025-11-23. Review status: criteria provided, single submitter. Criteria: Invitae Variant Classification Sherloc (09022015). Collection method: clinical testing. Allele origin: germline.

ARUP Laboratories, Molecular Genetics and Genomics, ARUP Laboratories
Classification: Likely benign. Last evaluated: 2025-04-28. Review status: criteria provided, single submitter. Criteria: ARUP Molecular Germline Variant Investigation Process 2024. Collection method: clinical testing. Allele origin: germline.

Blueprint Genetics
Classification: Likely benign. Last evaluated: 2024-09-27. Review status: criteria provided, single submitter. Criteria: ACMG Guidelines, 2015. Collection method: clinical testing. Allele origin: germline.

Athena Diagnostics
Classification: Likely benign. Last evaluated: 2024-03-06. Review status: criteria provided, single submitter. Criteria: Athena Diagnostics Criteria. Collection method: clinical testing. Allele origin: unknown.

CeGaT Center for Human Genetics Tuebingen
Classification: Likely benign. Last evaluated: 2023-09-01. Review status: criteria provided, single submitter. Criteria: CeGaT Center For Human Genetics Tuebingen Variant Classification Criteria Version 2. Collection method: clinical testing. Allele origin: germline. Affected: yes. Observed: 1 variant allele.
Comment: HSPG2: BP4, BS2

Ambry Genetics
Classification: Likely benign for Inborn genetic diseases. Last evaluated: 2022-10-03. Review status: criteria provided, single submitter. Criteria: Ambry Variant Classification Scheme 2023. Collection method: clinical testing. Allele origin: germline.

Genome Diagnostics Laboratory, The Hospital for Sick Children
Classification: Likely benign for Connective tissue disorder. Last evaluated: 2019-08-01. Review status: criteria provided, single submitter. Criteria: ACMG Guidelines, 2015. Collection method: clinical testing. Allele origin: germline.

PreventionGenetics, part of Exact Sciences
Classification: Likely benign for HSPG2-related condition. Last evaluated: 2021-01-29. Review status: no assertion criteria provided. Collection method: clinical testing. Allele origin: germline. Not counted in ClinVar's aggregate classification.
Comment: This variant is classified as likely benign based on ACMG/AMP sequence variant interpretation guidelines (Richards et al. 2015 PMID: 25741868, with internal and published modifications).

NM_005529.7(HSPG2):c.1549G>A (p.Ala517Thr)

Gene: HSPG2 (heparan sulfate proteoglycan 2; minus strand). Cytogenetic location: 1p36.12.
Variant type: single nucleotide variant.
Coding change: c.1549G>A on transcript NM_005529.7 (MANE Select); coding-DNA position 1549, G replaced by A.
Protein change: p.Ala517Thr; replaces alanine 517 with threonine.
Molecular consequence: missense variant.
Genome position (GRCh38, 1-based): chr1:21,884,633, C>T on the plus strand (G>A on the coding strand, the complement: HSPG2 is on the minus strand). VCF-style: chr1-21884633-C-T. GRCh37 (hg19) VCF-style: chr1-22211126-C-T.
Other names: c.1549G>A (NM_005529.5); c.1552G>A, p.Ala518Thr (NM_001291860.2); short protein forms A518T, A517T.
Identifiers: ClinVar variation 726035 (VCV000726035.40), dbSNP rs139719757, ClinGen allele CA673387.
Genomic context (GRCh38, chr1:21,884,633, plus strand): 5'-GGAAGCGGCGGGTGCTCTGGCACACGCTGGTGATGCCAAAGCAGAAGCAGGGCAGGCAGG[C>T]GGCGCTGTGCTCCAGGTAGAAGTGGCCGTCAGGGCAGGGGCCTGCTGGGCGGCATGGGCG-3'
Protein context (NP_005520.4, residues 507-527): DGHFYLEHSA[Ala517Thr]CLPCFCFGIT